The following is an entry in ClinVar:

ClinVar aggregate classification (germline): Likely benign (1 of 4 stars; one submission).

Allele frequency attached by ClinVar (database versions not stated): 1000 Genomes Project 30x 0.00109; 1000 Genomes Project 0.00140; ESP Exome Variant Server 0.00254; TOPMed 0.00257; ExAC 0.00296; gnomAD 0.00333; gnomAD exomes 0.00424.
gnomAD v4.1: 6,640 of 1,609,060 alleles (0.41%); highest among the groups gnomAD compares: Non-Finnish European, 0.47%; 27 homozygotes.

Submission:

CeGaT Center for Human Genetics Tuebingen
Classification: Likely benign. Last evaluated: 2023-04-01. Review status: criteria provided, single submitter. Criteria: CeGaT Center For Human Genetics Tuebingen Variant Classification Criteria Version 2. Collection method: clinical testing. Allele origin: germline. Affected: yes. Observed: 1 variant allele.
Comment: NAV2: BP4, BS2

NM_145117.5(NAV2):c.6418-7A>G

Gene: NAV2 (neuron navigator 2; plus strand). Cytogenetic location: 11p15.1.
Variant type: single nucleotide variant.
Coding change: c.6418-7A>G on transcript NM_145117.5 (MANE Select); 7 bases into the intron before coding-DNA position 6418, A replaced by G.
Molecular consequence: intron variant.
Genome position (GRCh38, 1-based): chr11:20,103,248, A>G. VCF-style: chr11-20103248-A-G. GRCh37 (hg19) VCF-style: chr11-20124794-A-G.
Other names: c.6226-7A>G (NM_001111018.2); c.6595-7A>G (NM_001244963.2); c.6427-7A>G (NM_182964.6); c.3610-7A>G (NM_001111019.3).
Identifiers: ClinVar variation 2641684 (VCV002641684.24), dbSNP rs143337476, ClinGen allele CA5919374.